The following is an entry in ClinVar:

ClinVar aggregate classification (germline): Pathogenic. Review status: criteria provided, multiple submitters, no conflicts (2 of 4 stars). 15 submissions from 15 submitters: Pathogenic (14). 1 of the submissions does not count toward it. Last evaluated 2025-09-02.

Conditions:
Gaucher disease type I (GD1). Also called: ACID BETA-GLUCOSIDASE DEFICIENCY; GD 1; Gaucher's disease, type 1; Type 1 Gaucher Disease; GAUCHER DISEASE, NONCEREBRAL JUVENILE; GBA DEFICIENCY. Identifiers: Orphanet 355, Orphanet 77259, MedGen C1961835, MONDO:0009265, OMIM 230800.
Gaucher disease type II (GD2). Also called: Acute neuronopathic Gaucher's disease; Type 2 Gaucher disease (Acute; Infantile); GAUCHER DISEASE, ACUTE NEURONOPATHIC TYPE; GD II. Identifiers: Orphanet 77260, MedGen C0268250, MONDO:0009266, OMIM 230900.
Gaucher disease type III. Also called: Subacute neuronopathic Gaucher's disease; Gaucher Disease, Type 3; Type 3 Gaucher disease (Subacute; Juvenile); GAUCHER DISEASE, CHRONIC NEURONOPATHIC TYPE; GAUCHER DISEASE, JUVENILE AND ADULT, CEREBRAL; GAUCHER DISEASE, SUBACUTE NEURONOPATHIC TYPE. Identifiers: Orphanet 355, Orphanet 77261, MedGen C0268251, MONDO:0009267, OMIM 231000.
Gaucher disease perinatal lethal. Also called: Gaucher disease collodion type; Gaucher Disease, Perinatal-Lethal Form. Identifiers: Orphanet 85212, MedGen C1842704, MONDO:0011945, OMIM 608013.
Gaucher disease. Also called: Acute cerebral Gaucher disease; Cerebroside lipidosis syndrome; Gaucher splenomegaly; Sphingolipidosis 1; Glucocerebrosidosis; Glucosylceramidase deficiency. Identifiers: Orphanet 355, MedGen C0017205, MONDO:0018150.
Gaucher disease-ophthalmoplegia-cardiovascular calcification syndrome. Also called: GAUCHER DISEASE, TYPE IIIC. Identifiers: Orphanet 2072, MedGen C1856476, MONDO:0009268, OMIM 231005.
GBA1-related disorder. Also called: GBA1-related condition.
Lewy body dementia (DLB). Also called: Lewy Body Disease. Identifiers: MedGen C0752347, MONDO:0007488, OMIM 127750.
Parkinson disease, late-onset (PD). Also called: PARKINSON DISEASE, LATE-ONSET, SUSCEPTIBILITY TO; Susceptibility to Parkinson's Disease; Hereditary late onset Parkinson disease. Identifiers: Orphanet 411602, MedGen C3160718, MONDO:0008199, OMIM 168600.

Allele frequency attached by ClinVar (database versions not stated): gnomAD 0.00001 and 0.00002; gnomAD exomes 0.00001 and 0.00003; ExAC 0.00002; TOPMed 0.00005.
gnomAD v4.1: 20 of 1,614,120 alleles (0.0012%); highest among the groups gnomAD compares: Middle Eastern, 0.017%; no homozygotes.

Submissions 1 to 10 of 15:

Otogenetics
Classification: Pathogenic for Gaucher disease type I; Gaucher disease type III; Gaucher disease type II; Gaucher disease; Gaucher disease perinatal lethal; Gaucher disease-ophthalmoplegia-cardiovascular calcification syndrome. Last evaluated: 2025-09-02. Review status: criteria provided, single submitter. Criteria: ACMG Guidelines, 2015. Collection method: clinical testing. Allele origin: germline.
Comment: PS3: Well-established in vitro functional studies supportive of damaging effect on the gene product, with low residual enzymatic activity relative to wild-type reported (PMID: 9153297); PM2: Maximum gnomAD MAF of 0.0165% in Middle Eastern (MID) subpopulation (<0.244% threshold); PM3: Variant reported in trans in with another pathogenic variant (GBA c.887G>A, p.R296Q) in affected siblings (PMID: 33176831); PM5: Pathogenic missense amino acid change occurs in same position: c.260G>A (p.Arg87Gln) (PMID: 16293621, 32547927); PP3: In-silico models predict deleterious effect (Revel = 0.71, BayesDel = 0.48)

Natera, Inc.
Classification: Pathogenic for Gaucher disease. Last evaluated: 2025-08-25. Review status: criteria provided, single submitter. Criteria: Natera Variant Classification Schema (03/2026). Collection method: clinical testing. Allele origin: germline.
Comment: The c.259C>T variant in GBA1 is a missense variant predicted to cause substitution of arginine to tryptophan at amino acid 87. This variant is rare in the general population with a frequency below the threshold expected for the associated phenotype(s). This variant has been observed in one or more individuals affected with the associated recessive disease, as either homozygous or compound heterozygous with a second variant (PMID: 28506293, 28727984). Additionally, this variant has been observed to segregate in affected family members (PMID: 28506293). Computational prediction algorithms indicate this variant is likely to affect gene or protein function. Given the available evidence, this variant is classified as Pathogenic.

3billion
Classification: Pathogenic for GBA1-related disorder. Last evaluated: 2025-03-11. Review status: criteria provided, single submitter. Criteria: ACMG Guidelines, 2015. Collection method: clinical testing. Allele origin: germline. Affected: yes.
Comment: The variant is observed at an extremely low frequency in the gnomAD v4.1.0 dataset (total allele frequency: 0.001%). Predicted Consequence/Location: Missense variant In silico tool predictions suggest damaging effect of the variant on gene or gene product [REVEL: 0.71 (>=0.6, sensitivity 0.68 and specificity 0.92); 3Cnet: 0.99 (> 0.75, sensitivity 0.96 and precision 0.92)]. The same nucleotide change resulting in the same amino acid change has been previously reported as pathogenic/likely pathogenic with strong evidence (ClinVar ID: VCV000004321). A different missense change at the same codon (p.Arg87Gln) has been reported as pathogenic/likely pathogenic with strong evidence (ClinVar ID: VCV002503944). Therefore, this variant is classified as Pathogenic according to the recommendation of ACMG/AMP guideline.

Genomic Medicine Center of Excellence, King Faisal Specialist Hospital and Research Centre
Classification: Pathogenic for Parkinson disease, late-onset. Last evaluated: 2024-09-22. Review status: criteria provided, single submitter. Criteria: ACMG Guidelines, 2015. Collection method: clinical testing. Allele origin: germline.

Foundation for Research in Genetics and Endocrinology, FRIGE's Institute of Human Genetics
Classification: Pathogenic for Gaucher disease type I. Last evaluated: 2024-01-25. Review status: criteria provided, single submitter. Criteria: ACMG Guidelines, 2015. Collection method: clinical testing. Allele origin: germline. Inheritance: Autosomal recessive inheritance. Affected: yes. Observed: 1 compound heterozygote.
Comment: A compound heterozygous missense variation in exon 3 of the GBA gene that results in the amino acid substitution of Trptophan for Arginine at codon 87 was detected. The observed variant c.259C>T (p.Arg87Trp) has a minor allele frequency of 0.0028% in the gnomAD databases. The in silico prediction of the variant is disease causing by DANN and MutationTaster2. The reference codon is conserved across species. In summary, the variant meets our criteria to be classified as a pathogenic.

GeneDx
Classification: Pathogenic. Last evaluated: 2023-12-05. Review status: criteria provided, single submitter. Criteria: GeneDx Variant Classification Process June 2021. Collection method: clinical testing. Allele origin: germline. Affected: yes.
Comment: Functional studies found that R87W is associated with significantly reduced beta-glucosidase activity (PMID: 9153297); In silico analysis, which includes protein predictors and evolutionary conservation, supports a deleterious effect; This variant is associated with the following publications: (PMID: 20729108, 9516376, 26018676, 17574891, 9217217, 17059888, 34820281, 33301762, 34867278, 7655857, 24904648, 28947706, 26051481, 30764785, 9295080, 1974409, 9153297, 29699937, 27027900, 28506293, 10796875, 28727984, 27872820, 33176831, 33473340, 35592045, 29625627)

Mendelics
Classification: Pathogenic for Lewy body dementia. Last evaluated: 2022-05-04. Review status: criteria provided, single submitter. Criteria: Mendelics Assertion Criteria 2019. Collection method: clinical testing. Allele origin: germline.

Fulgent Genetics
Classification: Pathogenic for Lewy body dementia; Parkinson disease, late-onset; Gaucher disease type I; Gaucher disease type II; Gaucher disease type III; Gaucher disease-ophthalmoplegia-cardiovascular calcification syndrome; Gaucher disease perinatal lethal. Last evaluated: 2021-11-17. Review status: criteria provided, single submitter. Criteria: ACMG Guidelines, 2015. Collection method: clinical testing. Allele origin: unknown.

Laboratorio de Genetica e Diagnostico Molecular, Hospital Israelita Albert Einstein
Classification: Pathogenic. Last evaluated: 2020-04-02. Review status: criteria provided, single submitter. Criteria: ACMG Guidelines, 2015. Collection method: clinical testing. Allele origin: germline. Affected: yes.
Comment: ACMG classification criteria: PS3, PS4, PM2, PM3, PP2

Mayo Clinic Laboratories, Mayo Clinic
Classification: Pathogenic. Last evaluated: 2020-02-13. Review status: criteria provided, single submitter. Criteria: ACMG Guidelines, 2015. Collection method: clinical testing. Allele origin: germline. Observed: 1 variant allele.
Comment: PS3, PS4_moderate, PM2, PP1, PP4

NM_000157.4(GBA1):c.259C>T (p.Arg87Trp)

Genes: GBA1 (glucosylceramidase beta 1; minus strand), LOC106627981 (GBA recombination region; plus strand). Cytogenetic location: 1q22.
Variant type: single nucleotide variant.
Coding change: c.259C>T on transcript NM_000157.4 (MANE Select); coding-DNA position 259, C replaced by T.
Protein change: p.Arg87Trp; replaces arginine 87 with tryptophan.
Molecular consequence: missense variant. On other transcripts: 5 prime UTR variant (1).
Genome position (GRCh38, 1-based): chr1:155,239,934, G>A on the plus strand (C>T on the coding strand, the complement: GBA1 is on the minus strand). VCF-style: chr1-155239934-G-A. GRCh37 (hg19) VCF-style: chr1-155209725-G-A.
Other names: 259C-T; c.259C>T, p.Arg87Trp (NM_001005741.3, NM_001005742.3, NM_001171812.2); c.-3C>T (NM_001171811.2); short protein forms R87W.
Identifiers: ClinVar variation 4321 (VCV000004321.25), dbSNP rs1141814, ClinGen allele CA253098.